The following is an entry in ClinVar:

ClinVar aggregate classification (germline): Conflicting classifications of pathogenicity. Review status: criteria provided, conflicting classifications (1 of 4 stars). 3 submissions from 3 submitters: Uncertain significance (1); Likely benign (2). Last evaluated 2026-02-01.

Conditions:
Idiopathic generalized epilepsy. Also called: Generalised epilepsy; EIG. Identifiers: MedGen C0270850, MONDO:0005579, OMIM 600669.
Hyperaldosteronism, familial, type IV (HALD4). Also called: FH IV; ALDOSTERONISM, PRIMARY, AND HYPERTENSION. Identifiers: Orphanet 642671, MedGen C4310756, MONDO:0014875, OMIM 617027.
Inborn genetic diseases. Identifiers: MedGen C0950123, MeSH D030342.

Allele frequency attached by ClinVar (database versions not stated): gnomAD below 0.00001 and 0.00005; 1000 Genomes Project 30x 0.00016; gnomAD exomes 0.00018; 1000 Genomes Project 0.00020; ExAC 0.00042.

Submissions (3):

CeGaT Center for Human Genetics Tuebingen
Classification: Likely benign. Last evaluated: 2026-02-01. Review status: criteria provided, single submitter. Criteria: CeGaT Center For Human Genetics Tuebingen Variant Classification Criteria Version 2. Collection method: clinical testing. Allele origin: germline. Affected: yes. Observed: 1 variant allele.
Comment: CACNA1H: BS1

Labcorp Genetics (formerly Invitae), Labcorp
Classification: Likely benign for Idiopathic generalized epilepsy; Hyperaldosteronism, familial, type IV. Last evaluated: 2025-12-26. Review status: criteria provided, single submitter. Criteria: Invitae Variant Classification Sherloc (09022015). Collection method: clinical testing. Allele origin: germline.

Ambry Genetics
Classification: Uncertain significance for Inborn genetic diseases. Last evaluated: 2024-03-07. Review status: criteria provided, single submitter. Criteria: Ambry Variant Classification Scheme 2023. Collection method: clinical testing. Allele origin: germline.

NM_021098.3(CACNA1H):c.5983C>T (p.Leu1995Phe)

Gene: CACNA1H (calcium voltage-gated channel subunit alpha1 H; plus strand). Cytogenetic location: 16p13.3.
Variant type: single nucleotide variant.
Coding change: c.5983C>T on transcript NM_021098.3 (MANE Select); coding-DNA position 5983, C replaced by T.
Protein change: p.Leu1995Phe; replaces leucine 1995 with phenylalanine.
Molecular consequence: missense variant.
Genome position (GRCh38, 1-based): chr16:1,219,065, C>T. VCF-style: chr16-1219065-C-T. GRCh37 (hg19) VCF-style: chr16-1269065-C-T.
Other names: c.5965C>T, p.Leu1989Phe (NM_001005407.2); short protein forms L1995F, L1989F.
Identifiers: ClinVar variation 565962 (VCV000565962.17), dbSNP rs549364922, ClinGen allele CA7802190.